The following is an entry in ClinVar:

ClinVar aggregate classification (germline): Benign/Likely benign. Review status: criteria provided, multiple submitters, no conflicts (2 of 4 stars). 5 submissions from 5 submitters: Benign (1); Likely benign (4). Last evaluated 2025-12-29.

Conditions:
Hereditary cancer-predisposing syndrome. Also called: Neoplastic Syndromes, Hereditary; Hereditary Cancer Syndrome; Tumor predisposition; Hereditary neoplastic syndrome. Identifiers: Orphanet 140162, MedGen C0027672, MeSH D009386, MONDO:0015356.
Ataxia-telangiectasia syndrome (AT). Also called: LOUIS-BAR SYNDROME; Cerebello-oculocutaneous telangiectasia; Immunodeficiency with ataxia telangiectasia; Ataxia-telangiectasia, complementation group D; AT, COMPLEMENTATION GROUP C; Ataxia-telangiectasia, complementation group E. Identifiers: Orphanet 100, MedGen C0004135, MONDO:0008840, OMIM 208900.
Familial cancer of breast. Also called: Hereditary breast cancer; BREAST CANCER, FAMILIAL; hereditary breast carcinoma. Identifiers: Orphanet 227535, MedGen C0346153, MONDO:0016419, OMIM 114480. Disease mechanism: loss of function.

Submissions (5):

Center for Genomic Medicine, Rigshospitalet, Copenhagen University Hospital
Classification: Likely benign. Last evaluated: 2025-12-29. Review status: criteria provided, single submitter. Criteria: ACMG Guidelines, 2015. Collection method: clinical testing. Allele origin: germline.
Comment: Classification criteria: BP4, BP7, PM2_supporting

Myriad Genetics, Inc.
Classification: Benign for Familial cancer of breast. Last evaluated: 2024-06-13. Review status: criteria provided, single submitter. Criteria: Myriad Autosomal Dominant, Autosomal Recessive and X-Linked Classification Criteria (2023). Collection method: clinical testing. Allele origin: unknown.
Comment: This variant is considered benign. This variant is a silent/synonymous amino acid change and it is not expected to impact splicing.

Labcorp Genetics (formerly Invitae), Labcorp
Classification: Likely benign for Ataxia-telangiectasia syndrome. Last evaluated: 2022-10-10. Review status: criteria provided, single submitter. Criteria: Invitae Variant Classification Sherloc (09022015). Collection method: clinical testing. Allele origin: germline.

Ambry Genetics
Classification: Likely benign for Hereditary cancer-predisposing syndrome. Last evaluated: 2022-05-04. Review status: criteria provided, single submitter. Criteria: Ambry Variant Classification Scheme 2023. Collection method: clinical testing. Allele origin: germline.

Color Diagnostics, LLC DBA Color Health
Classification: Likely benign for Hereditary cancer-predisposing syndrome. Last evaluated: 2018-07-17. Review status: criteria provided, single submitter. Criteria: ACMG Guidelines, 2015. Collection method: clinical testing. Allele origin: germline.

NM_000051.4(ATM):c.7239G>A (p.Lys2413=)

Genes: ATM (ATM serine/threonine kinase; plus strand), C11orf65 (chromosome 11 open reading frame 65; minus strand). Cytogenetic location: 11q22.3.
Variant type: single nucleotide variant.
Coding change: c.7239G>A on transcript NM_000051.4 (MANE Select); coding-DNA position 7239, G replaced by A.
Protein change: p.Lys2413=; no amino-acid change (lysine 2413 retained).
Molecular consequence: synonymous variant. On other transcripts: intron variant (2).
Genome position (GRCh38, 1-based): chr11:108,329,170, G>A. VCF-style: chr11-108329170-G-A. GRCh37 (hg19) VCF-style: chr11-108199897-G-A.
Other names: c.7239G>A, p.Lys2413= (NM_001351834.2); c.641-20099C>T (NM_001330368.2); c.*38+6050C>T (NM_001351110.2).
Identifiers: ClinVar variation 453668 (VCV000453668.16), dbSNP rs1555122182, ClinGen allele CA476676737.